The following is an entry in ClinVar:

ClinVar aggregate classification (germline): Conflicting classifications of pathogenicity. Review status: criteria provided, conflicting classifications (1 of 4 stars). 8 submissions from 8 submitters: Uncertain significance (7); Likely benign (1). Last evaluated 2025-12-29.

Conditions:
Hereditary cancer-predisposing syndrome. Also called: Hereditary neoplastic syndrome; Neoplastic Syndromes, Hereditary; Tumor predisposition; Hereditary Cancer Syndrome. Identifiers: Orphanet 140162, MedGen C0027672, MeSH D009386, MONDO:0015356.
Polyposis syndrome, hereditary mixed, 2. Identifiers: Orphanet 157794, MedGen C1864730, MONDO:0012405, OMIM 610069.
Juvenile polyposis syndrome (JPS). Identifiers: Orphanet 2929, MedGen C0345893, MONDO:0017380, OMIM 174900.

Allele frequency attached by ClinVar (database versions not stated): gnomAD 0.00001; gnomAD exomes 0.00001; TOPMed 0.00002.
gnomAD v4.1: 11 of 1,613,336 alleles (0.00068%); highest among the groups gnomAD compares: Admixed American, 0.0017%; no homozygotes.

Submissions (8):

Labcorp Genetics (formerly Invitae), Labcorp
Classification: Uncertain significance for Juvenile polyposis syndrome. Last evaluated: 2025-12-29. Review status: criteria provided, single submitter. Criteria: Invitae Variant Classification Sherloc (09022015). Collection method: clinical testing. Allele origin: germline.
Comment: This sequence change replaces valine, which is neutral and non-polar, with isoleucine, which is neutral and non-polar, at codon 385 of the BMPR1A protein (p.Val385Ile). This variant is present in population databases (no rsID available, gnomAD no frequency). This missense change has been observed in individual(s) with biliary tract cancer (PMID: 36243179). ClinVar contains an entry for this variant (Variation ID: 411618). Invitae Evidence Modeling incorporating data from in vitro experimental studies (internal data) indicates that this missense variant is not expected to disrupt BMPR1A function with a negative predictive value of 95%. In summary, the available evidence is currently insufficient to determine the role of this variant in disease. Therefore, it has been classified as a Variant of Uncertain Significance.

Color Diagnostics, LLC DBA Color Health
Classification: Uncertain significance for Hereditary cancer-predisposing syndrome. Last evaluated: 2025-06-17. Review status: criteria provided, single submitter. Criteria: ACMG Guidelines, 2015. Collection method: clinical testing. Allele origin: germline.
Comment: This missense variant replaces valine with isoleucine at codon 385 of the BMPR1A protein. Computational prediction is inconclusive regarding the impact of this variant on protein structure and function. To our knowledge, functional studies have not been reported for this variant. This variant has not been reported in individuals affected with BMPR1A-related disorders in the literature. This variant has been identified in 1/31400 chromosomes in the general population by the Genome Aggregation Database (gnomAD). The available evidence is insufficient to determine the role of this variant in disease conclusively. Therefore, this variant is classified as a Variant of Uncertain Significance.

Ambry Genetics
Classification: Likely benign for Hereditary cancer-predisposing syndrome. Last evaluated: 2024-02-07. Review status: criteria provided, single submitter. Criteria: Ambry Variant Classification Scheme 2023. Collection method: clinical testing. Allele origin: germline.

Baylor Genetics
Classification: Uncertain significance for Polyposis syndrome, hereditary mixed, 2. Last evaluated: 2023-07-31. Review status: criteria provided, single submitter. Criteria: ACMG Guidelines, 2015. Collection method: clinical testing. Allele origin: unknown.

All of Us Research Program, National Institutes of Health
Classification: Uncertain significance for Juvenile polyposis syndrome. Last evaluated: 2023-05-31. Review status: criteria provided, single submitter. Criteria: ACMG Guidelines, 2015. Collection method: clinical testing. Allele origin: germline. Inheritance: Autosomal dominant inheritance. Observed: 2 variant alleles, 2 heterozygotes.
Comment: This missense variant replaces valine with isoleucine at codon 385 of the BMPR1A protein. Computational prediction is inconclusive regarding the impact of this variant on protein structure and function (internally defined REVEL score threshold 0.5 < inconclusive < 0.7, PMID: 27666373). To our knowledge, functional studies have not been reported for this variant. This variant has not been reported in individuals affected with BMPR1A-related disorders in the literature. This variant has been identified in 1/31400 chromosomes in the general population by the Genome Aggregation Database (gnomAD). The available evidence is insufficient to determine the role of this variant in disease conclusively. Therefore, this variant is classified as a Variant of Uncertain Significance.

This study involves interpretation of variants in research participants for the purpose of population health screening. Participant phenotype was not available at the time of variant classification. Additional details can be found in publication PMID: 35346344, PMCID: PMC8962531

GeneDx
Classification: Uncertain significance. Last evaluated: 2022-03-17. Review status: criteria provided, single submitter. Criteria: GeneDx Variant Classification Process June 2021. Collection method: clinical testing. Allele origin: germline. Affected: yes.
Comment: Not observed at significant frequency in large population cohorts (gnomAD); In silico analysis, which includes protein predictors and evolutionary conservation, supports that this variant does not alter protein structure/function; Has not been previously published as pathogenic or benign to our knowledge

Women's Health and Genetics/Laboratory Corporation of America, LabCorp
Classification: Uncertain significance. Last evaluated: 2019-04-20. Review status: criteria provided, single submitter. Criteria: LabCorp Variant Classification Summary - May 2015. Collection method: clinical testing. Allele origin: germline.
Comment: Variant summary: BMPR1A c.1153G>A (p.Val385Ile) results in a conservative amino acid change located in the Protein kinase domain of the encoded protein sequence. Four of five in-silico tools predict a damaging effect of the variant on protein function. The variant was absent in 251058 control chromosomes. The available data on variant occurrences in the general population are insufficient to allow any conclusion about variant significance. To our knowledge, no occurrence of c.1153G>A in individuals affected with Juvenile Polyposis Syndrome and no experimental evidence demonstrating its impact on protein function have been reported. Four clinical diagnostic laboratories have submitted clinical-significance assessments for this variant to ClinVar after 2014 without evidence for independent evaluation. All laboratories classified the variant as uncertain significance. Based on the evidence outlined above, the variant was classified as uncertain significance.

Quest Diagnostics Nichols Institute San Juan Capistrano
Classification: Uncertain significance. Last evaluated: 2017-09-19. Review status: criteria provided, single submitter. Criteria: Quest Diagnostics criteria. Collection method: clinical testing. Allele origin: germline.

Literature cited by the submitters: PubMed 36243179 (cited by Labcorp Genetics (formerly Invitae), Labcorp).

NM_004329.3(BMPR1A):c.1153G>A (p.Val385Ile)

Gene: BMPR1A (bone morphogenetic protein receptor type 1A; plus strand). Cytogenetic location: 10q23.2.
Variant type: single nucleotide variant.
Coding change: c.1153G>A on transcript NM_004329.3 (MANE Select); coding-DNA position 1153, G replaced by A.
Protein change: p.Val385Ile; replaces valine 385 with isoleucine.
Molecular consequence: missense variant.
Genome position (GRCh38, 1-based): chr10:86,919,456, G>A. VCF-style: chr10-86919456-G-A. GRCh37 (hg19) VCF-style: chr10-88679213-G-A.
Other names: short protein forms V385I.
Identifiers: ClinVar variation 411618 (VCV000411618.26), dbSNP rs1060503396, ClinGen allele CA16613136.